The following is an entry in ClinVar:

ClinVar aggregate classification (germline): Uncertain significance (1 of 4 stars; one submission).

Conditions:
SPTAN1-related disorder. Also called: SPTAN1-related condition; SPTAN1-related disorders.

Allele frequency attached by ClinVar (database versions not stated): gnomAD exomes below 0.00001.
gnomAD v4.1: 2 of 1,614,110 alleles (0.00012%); highest among the groups gnomAD compares: Non-Finnish European, 0.00017%; no homozygotes.

Submission:

PreventionGenetics, part of Exact Sciences
Classification: Uncertain significance for SPTAN1-related condition. Last evaluated: 2023-09-15. Review status: criteria provided, single submitter. Criteria: ACMG Guidelines, 2015. Collection method: clinical testing. Allele origin: germline.
Comment: The SPTAN1 c.1939G>T variant is predicted to result in the amino acid substitution p.Asp647Tyr. To our knowledge, this variant has not been reported in the literature or in a large population database, indicating this variant is rare. At this time, the clinical significance of this variant is uncertain due to the absence of conclusive functional and genetic evidence.

NM_001130438.3(SPTAN1):c.1939G>T (p.Asp647Tyr)

Gene: SPTAN1 (spectrin alpha, non-erythrocytic 1; plus strand). Cytogenetic location: 9q34.11.
Variant type: single nucleotide variant.
Coding change: c.1939G>T on transcript NM_001130438.3 (MANE Select); coding-DNA position 1939, G replaced by T.
Protein change: p.Asp647Tyr; replaces aspartic acid 647 with tyrosine.
Molecular consequence: missense variant.
Genome position (GRCh38, 1-based): chr9:128,583,209, G>T. VCF-style: chr9-128583209-G-T. GRCh37 (hg19) VCF-style: chr9-131345488-G-T.
Other names: c.1939G>T, p.Asp647Tyr (NM_001195532.2, NM_001363759.2, NM_001363765.2 and 5 more transcripts); c.1975G>T, p.Asp659Tyr (NM_001375312.2, NM_001375318.1); short protein forms D647Y, D659Y.
Identifiers: ClinVar variation 2630798 (VCV002630798.1), dbSNP rs1852164025, ClinGen allele CA375055774.